The following is an entry in ClinVar:

ClinVar aggregate classification (germline): Conflicting classifications of pathogenicity. Review status: criteria provided, conflicting classifications (1 of 4 stars). 3 submissions from 3 submitters: Uncertain significance (1); Likely benign (2). Last evaluated 2025-12-18.

Conditions:
Renal tubular dysgenesis of genetic origin. Also called: PRIMITIVE RENAL TUBULE SYNDROME. Identifiers: Orphanet 97369, MedGen C5681536, MONDO:0009970, OMIM 267430.
Renal tubular dysgenesis. Also called: Renotubular dysgenesis. Identifiers: Orphanet 3033, MedGen C0266313, MONDO:0017609, HP:0008660.

Allele frequency attached by ClinVar (database versions not stated): gnomAD below 0.00001 and 0.00008; gnomAD exomes 0.00012 and 0.00027; ExAC 0.00031; 1000 Genomes Project 30x 0.00062; 1000 Genomes Project 0.00080; TOPMed 0.00001.

Submissions (3):

Labcorp Genetics (formerly Invitae), Labcorp
Classification: Likely benign. Last evaluated: 2025-12-18. Review status: criteria provided, single submitter. Criteria: Invitae Variant Classification Sherloc (09022015). Collection method: clinical testing. Allele origin: germline.

Fulgent Genetics
Classification: Uncertain significance for Renal tubular dysgenesis of genetic origin. Last evaluated: 2024-04-03. Review status: criteria provided, single submitter. Criteria: ACMG Guidelines, 2015. Collection method: clinical testing. Allele origin: germline.

Illumina Laboratory Services, Illumina
Classification: Likely benign for Renal tubular dysgenesis of genetic origin. Last evaluated: 2017-04-28. Review status: criteria provided, single submitter. Criteria: ICSL Variant Classification Criteria 13 December 2019. Collection method: clinical testing. Allele origin: germline.
Comment: This variant was observed as part of a predisposition screen in an ostensibly healthy population. A literature search was performed for the gene, cDNA change, and amino acid change (where applicable). Publications were found based on this search. The evidence from the literature, in combination with allele frequency data from public databases where available, was sufficient to determine this variant is unlikely to cause disease. Therefore, this variant is classified as likely benign.

Literature cited by the submitters: PubMed 24452034 (cited by Illumina Laboratory Services, Illumina).

NC_000001.11:g.230710823T>A

Gene: AGT (angiotensinogen; minus strand). Cytogenetic location: 1q42.2.
Variant type: single nucleotide variant.
Genome position: GRCh38 VCF-style: chr1-230710823-T-A. GRCh37 (hg19) VCF-style: chr1-230846569-T-A.
Other names: NM_000029.3:c.28A>T; c.1A>T (NM_001384479.1).
Identifiers: ClinVar variation 876870 (VCV000876870.8), dbSNP rs199476082, ClinGen allele CA1448402.